The following is an entry in ClinVar:

NM_016203.4(PRKAG2):c.882T>G (p.Phe294Leu)

Gene: PRKAG2 (protein kinase AMP-activated non-catalytic subunit gamma 2; minus strand). Cytogenetic location: 7q36.1.
Variant type: single nucleotide variant.
Coding change: c.882T>G on transcript NM_016203.4 (MANE Select); coding-DNA position 882, T replaced by G.
Protein change: p.Phe294Leu; replaces phenylalanine 294 with leucine.
Molecular consequence: missense variant.
Genome position (GRCh38, 1-based): chr7:151,576,435, A>C on the plus strand (T>G on the coding strand, the complement: PRKAG2 is on the minus strand). VCF-style: chr7-151576435-A-C. GRCh37 (hg19) VCF-style: chr7-151273521-A-C.
Other names: c.156T>G, p.Phe52Leu (NM_001407040.1, NM_001407036.1, NM_001407039.1); c.159T>G, p.Phe53Leu (NM_024429.2, NM_001304531.2, NM_001407034.1 and 1 more transcripts); c.750T>G, p.Phe250Leu (NM_001040633.2, NM_001407024.1); c.507T>G, p.Phe169Leu (NM_001304527.2, NM_001407029.1); c.510T>G, p.Phe170Leu (NM_001363698.2, NM_001407028.1); c.882T>G, p.Phe294Leu (NM_001407021.1); c.879T>G, p.Phe293Leu (NM_001407022.1, NM_001407023.1); c.747T>G, p.Phe249Leu (NM_001407026.1, NM_001407027.1); and 6 more; short protein forms F170L, F188L, F197L, F293L, F294L, F250L, F52L, F169L.
Identifiers: ClinVar variation 3636782 (VCV003636782.2).

ClinVar aggregate classification (germline): Uncertain significance (1 of 4 stars; one submission).

Conditions:
Lethal congenital glycogen storage disease of heart. Also called: PHOSPHORYLASE KINASE DEFICIENCY OF HEART; GLYCOGEN STORAGE DISEASE OF HEART. Identifiers: Orphanet 439854, MedGen C1849813, MONDO:0009867, OMIM 261740.

Submission:

Labcorp Genetics (formerly Invitae), Labcorp
Classification: Uncertain significance for Lethal congenital glycogen storage disease of heart. Last evaluated: 2024-10-05. Review status: criteria provided, single submitter. Criteria: Invitae Variant Classification Sherloc (09022015). Collection method: clinical testing. Allele origin: germline.
Comment: This sequence change replaces phenylalanine, which is neutral and non-polar, with leucine, which is neutral and non-polar, at codon 294 of the PRKAG2 protein (p.Phe294Leu). This variant is not present in population databases (gnomAD no frequency). This variant has not been reported in the literature in individuals affected with PRKAG2-related conditions. Invitae Evidence Modeling of protein sequence and biophysical properties (such as structural, functional, and spatial information, amino acid conservation, physicochemical variation, residue mobility, and thermodynamic stability) indicates that this missense variant is not expected to disrupt PRKAG2 protein function with a negative predictive value of 95%. In summary, the available evidence is currently insufficient to determine the role of this variant in disease. Therefore, it has been classified as a Variant of Uncertain Significance.